The following is an entry in ClinVar:

ClinVar aggregate classification (germline): Uncertain significance. Review status: criteria provided, multiple submitters, no conflicts (2 of 4 stars). 3 submissions from 3 submitters: Uncertain significance (3). Last evaluated 2025-10-15.

Conditions:
TWNK-related disorder. Also called: TWNK-related condition.

Allele frequency attached by ClinVar (database versions not stated): gnomAD 0.00002; TOPMed 0.00002; gnomAD exomes 0.00004.
gnomAD v4.1: 60 of 1,613,982 alleles (0.0037%); highest among the groups gnomAD compares: Non-Finnish European, 0.0049%; no homozygotes.

Submissions (3):

PreventionGenetics, part of Exact Sciences
Classification: Uncertain significance for TWNK-related condition. Last evaluated: 2025-10-15. Review status: criteria provided, single submitter. Criteria: ACMG Guidelines, 2015. Collection method: clinical testing. Allele origin: germline.
Comment: The TWNK c.454G>C variant is predicted to result in the amino acid substitution p.Glu152Gln. To our knowledge, this variant has not been reported in the literature. This variant is reported in 0.0029% of alleles in individuals of Latino descent in gnomAD. At this time, the clinical significance of this variant is uncertain due to the absence of conclusive functional and genetic evidence.

Blueprint Genetics
Classification: Uncertain significance. Last evaluated: 2023-09-27. Review status: criteria provided, single submitter. Criteria: ACMG Guidelines, 2015. Collection method: clinical testing. Allele origin: germline.

Labcorp Genetics (formerly Invitae), Labcorp
Classification: Uncertain significance. Last evaluated: 2023-01-21. Review status: criteria provided, single submitter. Criteria: Invitae Variant Classification Sherloc (09022015). Collection method: clinical testing. Allele origin: germline.
Comment: In summary, the available evidence is currently insufficient to determine the role of this variant in disease. Therefore, it has been classified as a Variant of Uncertain Significance. Advanced modeling of protein sequence and biophysical properties (such as structural, functional, and spatial information, amino acid conservation, physicochemical variation, residue mobility, and thermodynamic stability) performed at Invitae indicates that this missense variant is not expected to disrupt TWNK protein function. This variant has not been reported in the literature in individuals affected with TWNK-related conditions. This variant is present in population databases (rs760224175, gnomAD 0.003%). This sequence change replaces glutamic acid, which is acidic and polar, with glutamine, which is neutral and polar, at codon 152 of the TWNK protein (p.Glu152Gln).

NM_021830.5(TWNK):c.454G>C (p.Glu152Gln)

Gene: TWNK (twinkle mtDNA helicase; plus strand). Cytogenetic location: 10q24.31.
Variant type: single nucleotide variant.
Coding change: c.454G>C on transcript NM_021830.5 (MANE Select); coding-DNA position 454, G replaced by C.
Protein change: p.Glu152Gln; replaces glutamic acid 152 with glutamine.
Molecular consequence: missense variant. On other transcripts: non-coding transcript variant (4), intron variant (3).
Genome position (GRCh38, 1-based): chr10:100,988,664, G>C. VCF-style: chr10-100988664-G-C. GRCh37 (hg19) VCF-style: chr10-102748421-G-C.
Other names: c.454G>C (NM_021830.4); c.454G>C, p.Glu152Gln (NM_001163812.2); c.-119-980G>C (NM_001163814.2, NM_001163813.2); c.-57-1042G>C (NM_001368275.1); short protein forms E152Q.
Identifiers: ClinVar variation 2898498 (VCV002898498.5), dbSNP rs760224175, ClinGen allele CA212962777.